The following is an entry in ClinVar:

NM_138927.4(SON):c.2092G>C (p.Glu698Gln)

Gene: SON (SON DNA and RNA binding protein; plus strand). Cytogenetic location: 21q22.11.
Variant type: single nucleotide variant.
Coding change: c.2092G>C on transcript NM_138927.4 (MANE Select); coding-DNA position 2092, G replaced by C.
Protein change: p.Glu698Gln; replaces glutamic acid 698 with glutamine.
Molecular consequence: missense variant. On other transcripts: non-coding transcript variant (1), intron variant (1).
Genome position (GRCh38, 1-based): chr21:33,551,323, G>C. VCF-style: chr21-33551323-G-C. GRCh37 (hg19) VCF-style: chr21-34923629-G-C.
Other names: c.2092G>C, p.Glu698Gln (NM_001291411.2, NM_001412133.1, NM_032195.3 and 2 more transcripts); c.244+4944G>C (NM_001291412.3); short protein forms E698Q.
Identifiers: ClinVar variation 2834673 (VCV002834673.3), dbSNP rs1417507084, ClinGen allele CA410156975.

ClinVar aggregate classification (germline): Uncertain significance (1 of 4 stars; one submission).

Submission:

Labcorp Genetics (formerly Invitae), Labcorp
Classification: Uncertain significance. Last evaluated: 2023-02-04. Review status: criteria provided, single submitter. Criteria: Invitae Variant Classification Sherloc (09022015). Collection method: clinical testing. Allele origin: germline.
Comment: This sequence change replaces glutamic acid, which is acidic and polar, with glutamine, which is neutral and polar, at codon 698 of the SON protein (p.Glu698Gln). This variant is not present in population databases (gnomAD no frequency). Algorithms developed to predict the effect of missense changes on protein structure and function are either unavailable or do not agree on the potential impact of this missense change (SIFT: "Deleterious"; PolyPhen-2: "Probably Damaging"; Align-GVGD: "Class C0"). This variant has not been reported in the literature in individuals affected with SON-related conditions. In summary, the available evidence is currently insufficient to determine the role of this variant in disease. Therefore, it has been classified as a Variant of Uncertain Significance.